The following is an entry in ClinVar:

ClinVar aggregate classification (germline): Conflicting classifications of pathogenicity. Review status: criteria provided, conflicting classifications (1 of 4 stars). 7 submissions from 7 submitters: Uncertain significance (1); Benign (1); Likely benign (3). 2 of the submissions do not count toward it. Last evaluated 2025-12-30.

Allele frequency attached by ClinVar (database versions not stated): 1000 Genomes Project 0.00100; 1000 Genomes Project 30x 0.00125; ExAC 0.00166; TOPMed 0.00179; gnomAD exomes 0.00183 and 0.00278; gnomAD 0.00202; ESP Exome Variant Server 0.00272.

Submissions (7):

Labcorp Genetics (formerly Invitae), Labcorp
Classification: Likely benign. Last evaluated: 2025-12-30. Review status: criteria provided, single submitter. Criteria: Invitae Variant Classification Sherloc (09022015). Collection method: clinical testing. Allele origin: germline.

CeGaT Center for Human Genetics Tuebingen
Classification: Benign. Last evaluated: 2025-01-01. Review status: criteria provided, single submitter. Criteria: CeGaT Center For Human Genetics Tuebingen Variant Classification Criteria Version 2. Collection method: clinical testing. Allele origin: germline. Affected: yes. Observed: 1 variant allele.
Comment: HS6ST1: BS1, BS2

Blueprint Genetics
Classification: Likely benign. Last evaluated: 2024-11-19. Review status: criteria provided, single submitter. Criteria: ACMG Guidelines, 2015. Collection method: clinical testing. Allele origin: germline.

Women's Health and Genetics/Laboratory Corporation of America, LabCorp
Classification: Likely benign. Last evaluated: 2024-06-11. Review status: criteria provided, single submitter. Criteria: LabCorp Variant Classification Summary - May 2015. Collection method: clinical testing. Allele origin: germline.

Mendelics
Classification: Uncertain significance. Last evaluated: 2022-05-04. Review status: criteria provided, single submitter. Criteria: Mendelics Assertion Criteria 2019. Collection method: clinical testing. Allele origin: germline.

Clinical Genetics DNA and cytogenetics Diagnostics Lab, Erasmus MC, Erasmus Medical Center
Classification: Uncertain significance. Review status: no assertion criteria provided. Collection method: clinical testing. Allele origin: germline. Affected: yes. Study: VKGL Data-share Consensus. Not counted in ClinVar's aggregate classification.

Joint Genome Diagnostic Labs from Nijmegen and Maastricht, Radboudumc and MUMC+
Classification: Uncertain significance. Review status: no assertion criteria provided. Collection method: clinical testing. Allele origin: germline. Affected: yes. Study: VKGL Data-share Consensus. Not counted in ClinVar's aggregate classification.

NM_004807.3(HS6ST1):c.652C>T (p.Pro218Ser)

Gene: HS6ST1 (heparan sulfate 6-O-sulfotransferase 1; minus strand). Cytogenetic location: 2q14.3.
Variant type: single nucleotide variant.
Coding change: c.652C>T on transcript NM_004807.3 (MANE Select); coding-DNA position 652, C replaced by T.
Protein change: p.Pro218Ser; replaces proline 218 with serine.
Molecular consequence: missense variant.
Genome position (GRCh38, 1-based): chr2:128,268,746, G>A on the plus strand (C>T on the coding strand, the complement: HS6ST1 is on the minus strand). VCF-style: chr2-128268746-G-A. GRCh37 (hg19) VCF-style: chr2-129026320-G-A.
Other names: short protein forms P218S.
Identifiers: ClinVar variation 1297575 (VCV001297575.27), dbSNP rs200268730, ClinGen allele CA1867576.